The following is an entry in ClinVar:

NM_002473.6(MYH9):c.4902C>T (p.Asp1634=)

Gene: MYH9 (myosin heavy chain 9; minus strand). Cytogenetic location: 22q12.3.
Variant type: single nucleotide variant.
Coding change: c.4902C>T on transcript NM_002473.6 (MANE Select); coding-DNA position 4902, C replaced by T.
Protein change: p.Asp1634=; no amino-acid change (aspartic acid 1634 retained).
Molecular consequence: synonymous variant.
Genome position (GRCh38, 1-based): chr22:36,288,282, G>A on the plus strand (C>T on the coding strand, the complement: MYH9 is on the minus strand). VCF-style: chr22-36288282-G-A. GRCh37 (hg19) VCF-style: chr22-36684328-G-A.
Other names: c.4902C>T (NM_002473.5).
Identifiers: ClinVar variation 900909 (VCV000900909.14), dbSNP rs146184921, ClinGen allele CA10209263.
Genomic context (GRCh38, chr22:36,288,282, plus strand): 5'-CACCCTCACCTGGGCCCCGCCCACCCTTACCTGCAGCTTCCGCAGCTGTTTGATGGCTTC[G>A]TCCCGGTTCTTGTTGGCCGAGTCGATGTGCGCCTCCAGGTCCTTCAGGTCCATCTCCAGC-3'
Protein context (NP_002464.1, residues 1624-1644): AHIDSANKNR[Asp1634=]EAIKQLRKLQ

ClinVar aggregate classification (germline): Conflicting classifications of pathogenicity. Review status: criteria provided, conflicting classifications (1 of 4 stars). 7 submissions from 6 submitters: Uncertain significance (1); Benign (1); Likely benign (2). 3 of the submissions do not count toward it. Last evaluated 2025-12-17.

Conditions:
MYH9-related disorder. Identifiers: MedGen C1854520.
Autosomal dominant nonsyndromic hearing loss 17. Also called: Autosomal dominant nonsyndromic deafness 17; Deafness, autosomal dominant 17. Identifiers: Orphanet 90635, MedGen C1863659, MONDO:0011350, OMIM 603622.

Allele frequency attached by ClinVar (database versions not stated): ExAC 0.00012; gnomAD exomes 0.00014; gnomAD 0.00030; TOPMed 0.00032; ESP Exome Variant Server 0.00054.
gnomAD v4.1: 560 of 1,613,938 alleles (0.035%); highest among the groups gnomAD compares: Non-Finnish European, 0.045%; no homozygotes.

Submissions (7):

Labcorp Genetics (formerly Invitae), Labcorp
Classification: Likely benign. Last evaluated: 2025-12-17. Review status: criteria provided, single submitter. Criteria: Invitae Variant Classification Sherloc (09022015). Collection method: clinical testing. Allele origin: germline.

GeneDx
Classification: Likely benign. Last evaluated: 2018-06-27. Review status: criteria provided, single submitter. Criteria: GeneDx Variant Classification Process June 2021. Collection method: clinical testing. Allele origin: germline. Affected: yes.

Illumina Laboratory Services, Illumina
Classification: Uncertain significance for Autosomal dominant nonsyndromic hearing loss 17. Last evaluated: 2018-01-12. Review status: criteria provided, single submitter. Criteria: ICSL Variant Classification Criteria 13 December 2019. Collection method: clinical testing. Allele origin: germline.

Illumina Laboratory Services, Illumina
Classification: Benign for MYH9-related disorder. Last evaluated: 2018-01-12. Review status: criteria provided, single submitter. Criteria: ICSL Variant Classification Criteria 13 December 2019. Collection method: clinical testing. Allele origin: germline.
Comment: This variant was observed in the ICSL laboratory as part of a predisposition screen in an ostensibly healthy population. It had not been previously curated by ICSL or reported in the Human Gene Mutation Database (HGMD: prior to June 1st, 2018), and was therefore a candidate for classification through an automated scoring system. Utilizing variant allele frequency, disease prevalence and penetrance estimates, and inheritance mode, an automated score was calculated to assess if this variant is too frequent to cause the disease. Based on the score and internal cut-off values, a variant classified as benign is not then subjected to further curation. The score for this variant resulted in a classification of benign for this disease.

PreventionGenetics, part of Exact Sciences
Classification: Likely benign for MYH9-related condition. Last evaluated: 2019-06-04. Review status: no assertion criteria provided. Collection method: clinical testing. Allele origin: germline. Not counted in ClinVar's aggregate classification.
Comment: This variant is classified as likely benign based on ACMG/AMP sequence variant interpretation guidelines (Richards et al. 2015 PMID: 25741868, with internal and published modifications).

Clinical Genetics DNA and cytogenetics Diagnostics Lab, Erasmus MC, Erasmus Medical Center
Classification: Likely benign. Review status: no assertion criteria provided. Collection method: clinical testing. Allele origin: germline. Affected: yes. Study: VKGL Data-share Consensus. Not counted in ClinVar's aggregate classification.

Genome Diagnostics Laboratory, University Medical Center Utrecht
Classification: Likely benign. Review status: no assertion criteria provided. Collection method: clinical testing. Allele origin: germline. Affected: yes. Study: VKGL Data-share Consensus. Not counted in ClinVar's aggregate classification.